The following is an entry in ClinVar:

ClinVar aggregate classification (germline): Likely benign. Review status: criteria provided, multiple submitters, no conflicts (2 of 4 stars). 5 submissions from 5 submitters: Likely benign (5). Last evaluated 2026-01-26.

Allele frequency attached by ClinVar (database versions not stated): ExAC 0.00016; gnomAD 0.00021 and 0.00023; gnomAD exomes 0.00021 and 0.00035; ESP Exome Variant Server 0.00023; TOPMed 0.00023.
gnomAD v4.1: 535 of 1,613,636 alleles (0.033%); highest among the groups gnomAD compares: Non-Finnish European, 0.043%; 2 homozygotes.

Submissions (5):

Labcorp Genetics (formerly Invitae), Labcorp
Classification: Likely benign. Last evaluated: 2026-01-26. Review status: criteria provided, single submitter. Criteria: Invitae Variant Classification Sherloc (09022015). Collection method: clinical testing. Allele origin: germline.

Blueprint Genetics
Classification: Likely benign. Last evaluated: 2024-11-19. Review status: criteria provided, single submitter. Criteria: ACMG Guidelines, 2015. Collection method: clinical testing. Allele origin: germline.

CeGaT Center for Human Genetics Tuebingen
Classification: Likely benign. Last evaluated: 2023-12-01. Review status: criteria provided, single submitter. Criteria: CeGaT Center For Human Genetics Tuebingen Variant Classification Criteria Version 2. Collection method: clinical testing. Allele origin: germline. Affected: yes. Observed: 1 variant allele.
Comment: ACO2: BP4, BP7

GeneDx
Classification: Likely benign. Last evaluated: 2018-02-01. Review status: criteria provided, single submitter. Criteria: GeneDx Variant Classification (06012015). Collection method: clinical testing. Allele origin: germline. Affected: yes.
Comment: This variant is considered likely benign or benign based on one or more of the following criteria: it is a conservative change, it occurs at a poorly conserved position in the protein, it is predicted to be benign by multiple in silico algorithms, and/or has population frequency not consistent with disease.

PreventionGenetics, part of Exact Sciences
Classification: Likely benign. Review status: criteria provided, single submitter. Criteria: ACMG Guidelines, 2015. Collection method: clinical testing. Allele origin: germline.

NM_001098.3(ACO2):c.72A>G (p.Ser24=)

Gene: ACO2 (aconitase 2; plus strand). Cytogenetic location: 22q13.2.
Variant type: single nucleotide variant.
Coding change: c.72A>G on transcript NM_001098.3 (MANE Select); coding-DNA position 72, A replaced by G.
Protein change: p.Ser24=; no amino-acid change (serine 24 retained).
Molecular consequence: synonymous variant.
Genome position (GRCh38, 1-based): chr22:41,499,761, A>G. VCF-style: chr22-41499761-A-G. GRCh37 (hg19) VCF-style: chr22-41895765-A-G.
Identifiers: ClinVar variation 257431 (VCV000257431.35), dbSNP rs188233863, ClinGen allele CA10257275.
Genomic context (GRCh38, chr22:41,499,761, plus strand): 5'-GTGGCTGTCATGTTTCTTCTTGCAGAAAGCTCTGGGTGTGCGGCAGTACCATGTGGCCTC[A>G]GTCCTGTGCCAACGGGCCAAGGTGGCGATGAGCCACTTTGAGCCCAACGAGTACATCCAT-3'
Protein context (NP_001089.1, residues 14-34): ALGVRQYHVA[Ser24=]VLCQRAKVAM